The following is an entry in ClinVar:

NM_001370466.1(NOD2):c.460G>T (p.Ala154Ser)

Gene: NOD2 (nucleotide binding oligomerization domain containing 2; plus strand). Cytogenetic location: 16q12.1.
Variant type: single nucleotide variant.
Coding change: c.460G>T on transcript NM_001370466.1 (MANE Select); coding-DNA position 460, G replaced by T.
Protein change: p.Ala154Ser; replaces alanine 154 with serine.
Molecular consequence: missense variant. On other transcripts: non-coding transcript variant (1).
Genome position (GRCh38, 1-based): chr16:50,707,855, G>T. VCF-style: chr16-50707855-G-T. GRCh37 (hg19) VCF-style: chr16-50741766-G-T.
Other names: c.460G>T, p.Ala154Ser (NM_001293557.2); c.541G>T, p.Ala181Ser (NM_022162.3); short protein forms A154S, A181S.
Identifiers: ClinVar variation 3766528 (VCV003766528.1).
Genomic context (GRCh38, chr16:50,707,855, plus strand): 5'-CCTTCCCACATTGCTCCATCAGCCTTCCTGGAAGAATAATGTCTTCTGCCTTTCCTGTAG[G>T]CAAGAAGGCTGCTTGATCTTGCCACGGTGAAAGCGAATGGATTGGCTGCCTTCCTTCTAC-3'
Protein context (NP_001357395.1, residues 144-164): RLPIFTPSQR[Ala154Ser]RRLLDLATVK

ClinVar aggregate classification (germline): Uncertain significance (1 of 4 stars; one submission).

Submission:

ARUP Laboratories, Molecular Genetics and Genomics, ARUP Laboratories
Classification: Uncertain significance. Last evaluated: 2024-03-21. Review status: criteria provided, single submitter. Criteria: ARUP Molecular Germline Variant Investigation Process 2024. Collection method: clinical testing. Allele origin: germline.
Comment: The NOD2 c.541G>T; p.Ala181Ser variant, to our knowledge, is not reported in the medical literature or gene specific databases. This variant is also absent from the Genome Aggregation Database (v2.1.1), indicating it is not a common polymorphism. Computational analyses are uncertain whether this variant is neutral or deleterious (REVEL: 0.292). Due to limited information, the clinical significance of this variant is uncertain at this time.